The following is an entry in ClinVar:

ClinVar aggregate classification (germline): Benign (1 of 4 stars; one submission).

Conditions:
Leigh syndrome (NULS). Also called: Leigh's necrotizing encephalopathy; Leigh's disease; Leigh Syndrome (mtDNA deletion); Leigh Disease; Subacute necrotizing encephalopathy; Necrotizing encephalopathy infantile subacute of Leigh. Identifiers: Orphanet 506, MedGen C2931891, MONDO:0009723, OMIM 256000.

Submission:

Wong Mito Lab, Molecular and Human Genetics, Baylor College of Medicine
Classification: Benign for Leigh syndrome. Last evaluated: 2019-10-17. Review status: criteria provided, single submitter. Criteria: Modified ACMG Guidelines (Unpublished). Collection method: clinical testing. Allele origin: germline.
Comment: The NC_012920.1:m.6018G>A (YP_003024028.1:p.Ala39Thr) variant in MTCO1 gene is interpretated to be a Benign variant based on the modified ACMG guidelines (unpublished). This variant meets the following evidence codes: BS1, BS2, BP4

NC_012920.1(MT-CO1):m.6018G>A

Gene: MT-CO1 (mitochondrially encoded cytochrome c oxidase I; plus strand).
Variant type: single nucleotide variant.
Genome position: chrM-6018-G-A.
Identifiers: ClinVar variation 692607 (VCV000692607.1), dbSNP rs1603220225, ClinGen allele CA414781248.
Genomic context (GRCh38, chrMT:6,018, plus strand): 5'-TACCTATTATTCGGCGCATGAGCTGGAGTCCTAGGCACAGCTCTAAGCCTCCTTATTCGA[G>A]CCGAGCTGGGCCAGCCAGGCAACCTTCTAGGTAACGACCACATCTACAACGTTATCGTCA-3'